The following is an entry in ClinVar:

ClinVar aggregate classification (germline): Uncertain significance (1 of 4 stars; one submission).

Conditions:
Familial focal epilepsy with variable foci (FPEVF). Identifiers: Orphanet 98820, MedGen C1858477, MONDO:0020310.

Submission:

Labcorp Genetics (formerly Invitae), Labcorp
Classification: Uncertain significance for Familial focal epilepsy with variable foci. Last evaluated: 2023-08-27. Review status: criteria provided, single submitter. Criteria: Invitae Variant Classification Sherloc (09022015). Collection method: clinical testing. Allele origin: germline.
Comment: This sequence change falls in intron 19 of the DEPDC5 gene. It does not directly change the encoded amino acid sequence of the DEPDC5 protein. It affects a nucleotide within the consensus splice site. This variant is not present in population databases (gnomAD no frequency). This variant has not been reported in the literature in individuals affected with DEPDC5-related conditions. Variants that disrupt the consensus splice site are a relatively common cause of aberrant splicing (PMID: 17576681, 9536098). Algorithms developed to predict the effect of sequence changes on RNA splicing suggest that this variant may disrupt the consensus splice site. In summary, the available evidence is currently insufficient to determine the role of this variant in disease. Therefore, it has been classified as a Variant of Uncertain Significance.

Literature cited by the submitters: PubMed 17576681; PubMed 9536098.

NM_001242896.3(DEPDC5):c.1324+5G>A

Gene: DEPDC5 (DEP domain containing 5, GATOR1 subcomplex subunit; plus strand). Cytogenetic location: 22q12.3.
Variant type: single nucleotide variant.
Coding change: c.1324+5G>A on transcript NM_001242896.3 (MANE Select); 5 bases into the intron after coding-DNA position 1324, G replaced by A.
Molecular consequence: intron variant.
Genome position (GRCh38, 1-based): chr22:31,809,652, G>A. VCF-style: chr22-31809652-G-A. GRCh37 (hg19) VCF-style: chr22-32205638-G-A.
Other names: c.1324+5G>A (NM_001364318.2, NM_001136029.4, NM_014662.6 and 7 more transcripts); c.1240+5G>A (NM_001369902.1, NM_001369901.1).
Identifiers: ClinVar variation 2755257 (VCV002755257.3), dbSNP rs2519067673, ClinGen allele CA2697552704.